The following is an entry in ClinVar:

ClinVar aggregate classification (germline): Uncertain significance. Review status: criteria provided, multiple submitters, no conflicts (2 of 4 stars). 2 submissions from 2 submitters: Uncertain significance (2). Last evaluated 2024-01-26.

Conditions:
Autosomal dominant polycystic kidney disease. Identifiers: Orphanet 730, MedGen C0085413, MONDO:0004691.

Allele frequency attached by ClinVar (database versions not stated): gnomAD 0.00001.
gnomAD v4.1: 2 of 1,268,780 alleles (0.00016%); highest among the groups gnomAD compares: Non-Finnish European, 0.0002%; no homozygotes.

Submissions (2):

Labcorp Genetics (formerly Invitae), Labcorp
Classification: Uncertain significance for Autosomal dominant polycystic kidney disease. Last evaluated: 2024-01-26. Review status: criteria provided, single submitter. Criteria: Invitae Variant Classification Sherloc (09022015). Collection method: clinical testing. Allele origin: germline.
Comment: This sequence change replaces leucine, which is neutral and non-polar, with phenylalanine, which is neutral and non-polar, at codon 46 of the PKD2 protein (p.Leu46Phe). This variant is present in population databases (no rsID available, gnomAD 0.007%). This variant has not been reported in the literature in individuals affected with PKD2-related conditions. ClinVar contains an entry for this variant (Variation ID: 2574209). An algorithm developed to predict the effect of missense changes on protein structure and function (PolyPhen-2) suggests that this variant is likely to be disruptive. In summary, the available evidence is currently insufficient to determine the role of this variant in disease. Therefore, it has been classified as a Variant of Uncertain Significance.

GeneDx
Classification: Uncertain significance. Last evaluated: 2023-01-31. Review status: criteria provided, single submitter. Criteria: GeneDx Variant Classification Process June 2021. Collection method: clinical testing. Allele origin: germline. Affected: yes.
Comment: In silico analysis supports that this missense variant does not alter protein structure/function; Has not been previously published as pathogenic or benign to our knowledge; Not observed at significant frequency in large population cohorts (gnomAD)

NM_000297.4(PKD2):c.136C>T (p.Leu46Phe)

Genes: PKD2 (polycystin 2, transient receptor potential cation channel; plus strand), LOC129992813 (ATAC-STARR-seq lymphoblastoid silent region 15559; plus strand). Cytogenetic location: 4q22.1.
Variant type: single nucleotide variant.
Coding change: c.136C>T on transcript NM_000297.4 (MANE Select); coding-DNA position 136, C replaced by T.
Protein change: p.Leu46Phe; replaces leucine 46 with phenylalanine.
Molecular consequence: missense variant. On other transcripts: non-coding transcript variant (1).
Genome position (GRCh38, 1-based): chr4:88,007,869, C>T. VCF-style: chr4-88007869-C-T. GRCh37 (hg19) VCF-style: chr4-88929021-C-T.
Other names: short protein forms L46F.
Identifiers: ClinVar variation 2574209 (VCV002574209.4), dbSNP rs1347665472, ClinGen allele CA357625368.